The following is an entry in ClinVar:

NM_000384.3(APOB):c.11925C>T (p.His3975=)

Gene: APOB (apolipoprotein B; minus strand). Cytogenetic location: 2p24.1.
Variant type: single nucleotide variant.
Coding change: c.11925C>T on transcript NM_000384.3 (MANE Select); coding-DNA position 11925, C replaced by T.
Protein change: p.His3975=; no amino-acid change (histidine 3975 retained).
Molecular consequence: synonymous variant.
Genome position (GRCh38, 1-based): chr2:21,004,431, G>A on the plus strand (C>T on the coding strand, the complement: APOB is on the minus strand). VCF-style: chr2-21004431-G-A. GRCh37 (hg19) VCF-style: chr2-21227303-G-A.
Identifiers: ClinVar variation 927676 (VCV000927676.16), dbSNP rs771298370, ClinGen allele CA048238.

ClinVar aggregate classification (germline): Conflicting classifications of pathogenicity. Review status: criteria provided, conflicting classifications (1 of 4 stars). 4 submissions from 4 submitters: Uncertain significance (1); Likely benign (3). Last evaluated 2024-12-02.

Conditions:
Cardiovascular phenotype. Identifiers: MedGen CN230736.
Familial hypercholesterolemia. Also called: Familial hypercholesterolemias; Familial hypercholesterolaemia. Identifiers: MedGen C0020445, MONDO:0005439.
Familial hypobetalipoproteinemia 1. Also called: Hypobetalipoproteinemia, normotriglyceridemic; Acanthocytosis with hypobetalipoproteinemia; APOB-Related Familial Hypobetalipoproteinemia. Identifiers: MedGen C4551990, MONDO:0014252, OMIM 615558.
Hypercholesterolemia, autosomal dominant, type B (FHCL2). Also called: Familial Hypercholesterolemia Type B; HYPERCHOLESTEROLEMIA, FAMILIAL, DUE TO LIGAND-DEFECTIVE APOLIPOPROTEIN B; Familial hypercholesterolemia 2; APOB-Related Familial Hypercholesterolemia, Autosomal Dominant; APOLIPOPROTEIN B-100, FAMILIAL DEFECTIVE; APOLIPOPROTEIN B-100, FAMILIAL LIGAND-DEFECTIVE. Identifiers: MedGen C1704417, MONDO:0007751, OMIM 144010.

Allele frequency attached by ClinVar (database versions not stated): ExAC 0.00001; gnomAD 0.00001; gnomAD exomes 0.00001; TOPMed 0.00005.
gnomAD v4.1: 11 of 1,613,878 alleles (0.00068%); highest among the groups gnomAD compares: Admixed American, 0.0067%; no homozygotes.

Submissions (4):

Labcorp Genetics (formerly Invitae), Labcorp
Classification: Likely benign for Familial hypobetalipoproteinemia 1; Hypercholesterolemia, autosomal dominant, type B. Last evaluated: 2024-12-02. Review status: criteria provided, single submitter. Criteria: Invitae Variant Classification Sherloc (09022015). Collection method: clinical testing. Allele origin: germline.

Ambry Genetics
Classification: Likely benign for Cardiovascular phenotype. Last evaluated: 2024-06-26. Review status: criteria provided, single submitter. Criteria: Ambry Variant Classification Scheme 2023. Collection method: clinical testing. Allele origin: germline.

Quest Diagnostics Nichols Institute San Juan Capistrano
Classification: Uncertain significance. Last evaluated: 2024-06-12. Review status: criteria provided, single submitter. Criteria: Quest Diagnostics criteria. Collection method: clinical testing. Allele origin: unknown.
Comment: The APOB c.11925C>T (p.His3975=) synonymous variant has not been reported in individuals with APOB-related conditions in the published literature. The frequency of this variant in the general population, 0.000008 (2/251346 chromosomes (Genome Aggregation Database)), is uninformative in the assessment of its pathogenicity. Analysis of this variant using software algorithms for the prediction of the effect of nucleotide changes on APOB mRNA splicing yielded inconclusive findings. Based on the available information, we are unable to determine the clinical significance of this variant.

GENinCode PLC
Classification: Likely benign for Familial hypercholesterolemia. Last evaluated: 2024-02-22. Review status: criteria provided, single submitter. Criteria: ACMG Guidelines, 2015. Collection method: clinical testing. Allele origin: germline.
Comment: This is a synonymous (silent) variant that is not predicted by SpliceAI to impact splicing. In addition, it occurs at a nucleotide that is not conserved. Therefore this variant has been classified as Likely Benign (BP4, BP7).